The following is an entry in ClinVar:

ClinVar aggregate classification (germline): Uncertain significance. Review status: criteria provided, multiple submitters, no conflicts (2 of 4 stars). 2 submissions from 2 submitters: Uncertain significance (2). Last evaluated 2024-03-09.

Conditions:
Hereditary cancer-predisposing syndrome. Also called: Neoplastic Syndromes, Hereditary; Hereditary Cancer Syndrome; Tumor predisposition; Hereditary neoplastic syndrome. Identifiers: Orphanet 140162, MedGen C0027672, MeSH D009386, MONDO:0015356.

Submissions (2):

Ambry Genetics
Classification: Uncertain significance for Hereditary cancer-predisposing syndrome. Last evaluated: 2024-03-09. Review status: criteria provided, single submitter. Criteria: Ambry Variant Classification Scheme 2023. Collection method: clinical testing. Allele origin: germline.
Comment: The p.G250A variant (also known as c.749G>C), located in coding exon 6 of the FH gene, results from a G to C substitution at nucleotide position 749. The glycine at codon 250 is replaced by alanine, an amino acid with similar properties. This amino acid position is conserved. In addition, the in silico prediction for this alteration is inconclusive. Based on the available evidence, the clinical significance of this alteration remains unclear.

Labcorp Genetics (formerly Invitae), Labcorp
Classification: Uncertain significance. Last evaluated: 2022-05-04. Review status: criteria provided, single submitter. Criteria: Invitae Variant Classification Sherloc (09022015). Collection method: clinical testing. Allele origin: germline.
Comment: This sequence change replaces glycine, which is neutral and non-polar, with alanine, which is neutral and non-polar, at codon 250 of the FH protein (p.Gly250Ala). This variant is not present in population databases (gnomAD no frequency). This variant has not been reported in the literature in individuals affected with FH-related conditions. Algorithms developed to predict the effect of missense changes on protein structure and function output the following: SIFT: "Tolerated"; PolyPhen-2: "Benign"; Align-GVGD: "Class C0". The alanine amino acid residue is found in multiple mammalian species, which suggests that this missense change does not adversely affect protein function. In summary, the available evidence is currently insufficient to determine the role of this variant in disease. Therefore, it has been classified as a Variant of Uncertain Significance.

NM_000143.4(FH):c.749G>C (p.Gly250Ala)

Gene: FH (fumarate hydratase; minus strand). Cytogenetic location: 1q43.
Variant type: single nucleotide variant.
Coding change: c.749G>C on transcript NM_000143.4 (MANE Select); coding-DNA position 749, G replaced by C.
Protein change: p.Gly250Ala; replaces glycine 250 with alanine.
Molecular consequence: missense variant.
Genome position (GRCh38, 1-based): chr1:241,506,158, C>G on the plus strand (G>C on the coding strand, the complement: FH is on the minus strand). VCF-style: chr1-241506158-C-G. GRCh37 (hg19) VCF-style: chr1-241669458-C-G.
Other names: short protein forms G250A.
Identifiers: ClinVar variation 2153470 (VCV002153470.5), dbSNP rs951611697, ClinGen allele CA345439105.